The following is an entry in ClinVar:

ClinVar aggregate classification (germline): Benign. Review status: criteria provided, multiple submitters, no conflicts (2 of 4 stars). 2 submissions from 2 submitters: Benign (2). Last evaluated 2025-01-15.

Allele frequency attached by ClinVar (database versions not stated): ESP Exome Variant Server 0.00008; 1000 Genomes Project 0.00319; 1000 Genomes Project 30x 0.00344.
gnomAD v4.1: 1,369 of 1,608,728 alleles (0.085%); highest among the groups gnomAD compares: South Asian, 1.4%; 19 homozygotes.

Submissions (2):

Labcorp Genetics (formerly Invitae), Labcorp
Classification: Benign. Last evaluated: 2025-01-15. Review status: criteria provided, single submitter. Criteria: Invitae Variant Classification Sherloc (09022015). Collection method: clinical testing. Allele origin: germline.

CeGaT Center for Human Genetics Tuebingen
Classification: Benign. Last evaluated: 2022-12-01. Review status: criteria provided, single submitter. Criteria: CeGaT Center For Human Genetics Tuebingen Variant Classification Criteria Version 2. Collection method: clinical testing. Allele origin: germline. Affected: yes. Observed: 1 variant allele.
Comment: HTT: BP4, BS1, BS2

NM_001388492.1(HTT):c.7935C>A (p.Asp2645Glu)

Gene: HTT (huntingtin; plus strand). Cytogenetic location: 4p16.3.
Variant type: single nucleotide variant.
Coding change: c.7935C>A on transcript NM_001388492.1 (MANE Select); coding-DNA position 7935, C replaced by A.
Protein change: p.Asp2645Glu; replaces aspartic acid 2645 with glutamic acid.
Molecular consequence: missense variant.
Genome position (GRCh38, 1-based): chr4:3,228,701, C>A. VCF-style: chr4-3228701-C-A. GRCh37 (hg19) VCF-style: chr4-3230428-C-A.
Other names: c.7941C>A, p.Asp2647Glu (NM_002111.8); short protein forms D2645E, D2647E.
Identifiers: ClinVar variation 2041355 (VCV002041355.28), dbSNP rs375957195, ClinGen allele CA2825536.